The following is an entry in ClinVar:

ClinVar aggregate classification (germline): Benign/Likely benign. Review status: criteria provided, multiple submitters, no conflicts (2 of 4 stars). 3 submissions from 3 submitters: Benign (1); Likely benign (2). Last evaluated 2025-06-12.

Allele frequency attached by ClinVar (database versions not stated): gnomAD 0.00001; gnomAD exomes 0.00001; TOPMed 0.00002; ExAC 0.00010; 1000 Genomes Project 0.00020; 1000 Genomes Project 30x 0.00031.
gnomAD v4.1: 18 of 1,598,700 alleles (0.0011%); highest among the groups gnomAD compares: East Asian, 0.027%; no homozygotes.

Submissions (3):

Labcorp Genetics (formerly Invitae), Labcorp
Classification: Benign. Last evaluated: 2025-06-12. Review status: criteria provided, single submitter. Criteria: Invitae Variant Classification Sherloc (09022015). Collection method: clinical testing. Allele origin: germline.

CeGaT Center for Human Genetics Tuebingen
Classification: Likely benign. Last evaluated: 2024-11-01. Review status: criteria provided, single submitter. Criteria: CeGaT Center For Human Genetics Tuebingen Variant Classification Criteria Version 2. Collection method: clinical testing. Allele origin: germline. Affected: yes. Observed: 1 variant allele.
Comment: CAMK2B: BS2

Blueprint Genetics
Classification: Likely benign. Last evaluated: 2023-01-12. Review status: criteria provided, single submitter. Criteria: ACMG Guidelines, 2015. Collection method: clinical testing. Allele origin: germline.

NM_001220.5(CAMK2B):c.1375A>G (p.Arg459Gly)

Gene: CAMK2B (calcium/calmodulin dependent protein kinase II beta; minus strand). Cytogenetic location: 7p13.
Variant type: single nucleotide variant.
Coding change: c.1375A>G on transcript NM_001220.5 (MANE Select); coding-DNA position 1375, A replaced by G.
Protein change: p.Arg459Gly; replaces arginine 459 with glycine.
Molecular consequence: missense variant. On other transcripts: intron variant (8).
Genome position (GRCh38, 1-based): chr7:44,228,889, T>C on the plus strand (A>G on the coding strand, the complement: CAMK2B is on the minus strand). VCF-style: chr7-44228889-T-C. GRCh37 (hg19) VCF-style: chr7-44268488-T-C.
Other names: c.947-7988A>G (NM_172084.3); c.1150+2117A>G (NM_172080.3); c.1036+2117A>G (NM_172083.3); c.1108+2117A>G (NM_172081.3); c.1153+2117A>G (NM_172079.3, NM_172082.3); c.1225+2117A>G (NM_001293170.2, NM_172078.3); short protein forms R459G.
Identifiers: ClinVar variation 1920904 (VCV001920904.20), dbSNP rs542942171, ClinGen allele CA4240332.